The following is an entry in ClinVar:

NM_001267550.2(TTN):c.1939-89T>C

Gene: TTN (titin; minus strand). Cytogenetic location: 2q31.2.
Variant type: single nucleotide variant.
Coding change: c.1939-89T>C on transcript NM_001267550.2 (MANE Select); 89 bases into the intron before coding-DNA position 1939, T replaced by C.
Molecular consequence: intron variant.
Genome position (GRCh38, 1-based): chr2:178,789,586, A>G on the plus strand (T>C on the coding strand, the complement: TTN is on the minus strand). VCF-style: chr2-178789586-A-G. GRCh37 (hg19) VCF-style: chr2-179654313-A-G.
Other names: c.1939-89T>C (NM_001256850.1, NM_133378.4, NM_133379.5); c.1801-89T>C (NM_003319.4, NM_133437.4, NM_133432.3).
Identifiers: ClinVar variation 674598 (VCV000674598.2), dbSNP rs13421990, ClinGen allele CA60983856.

ClinVar aggregate classification (germline): Benign. Review status: criteria provided, multiple submitters, no conflicts (2 of 4 stars). 2 submissions from 2 submitters: Benign (2). Last evaluated 2018-06-16.

Allele frequency attached by ClinVar (database versions not stated): gnomAD 0.03324 and 0.03767; gnomAD exomes 0.03611; TOPMed 0.03861; 1000 Genomes Project 30x 0.06340; 1000 Genomes Project 0.06569.
gnomAD v4.1: 55,526 of 1,529,480 alleles (3.6%); highest among the groups gnomAD compares: Admixed American, 17%; 2,464 homozygotes.

Submissions (2):

GeneDx
Classification: Benign. Last evaluated: 2018-06-16. Review status: criteria provided, single submitter. Criteria: GeneDx Variant Classification (06012015). Collection method: clinical testing. Allele origin: germline. Affected: yes.
Comment: This variant is considered likely benign or benign based on one or more of the following criteria: it is a conservative change, it occurs at a poorly conserved position in the protein, it is predicted to be benign by multiple in silico algorithms, and/or has population frequency not consistent with disease.

Breakthrough Genomics
Classification: Benign. Review status: criteria provided, single submitter. Criteria: ACMG Guidelines, 2015. Collection method: not provided. Allele origin: germline. Inheritance: Autosomal recessive inheritance. Affected: yes.